The following is an entry in ClinVar:

ClinVar aggregate classification (germline): Uncertain significance (1 of 4 stars; one submission).

gnomAD v4.1: 1 of 1,613,290 alleles (0.000062%); highest among the groups gnomAD compares: Non-Finnish European, 0.000085%; no homozygotes.

Submission:

Labcorp Genetics (formerly Invitae), Labcorp
Classification: Uncertain significance. Last evaluated: 2022-09-13. Review status: criteria provided, single submitter. Criteria: Invitae Variant Classification Sherloc (09022015). Collection method: clinical testing. Allele origin: germline.
Comment: This sequence change replaces isoleucine, which is neutral and non-polar, with arginine, which is basic and polar, at codon 258 of the COL11A1 protein (p.Ile258Arg). This variant is not present in population databases (gnomAD no frequency). This variant has not been reported in the literature in individuals affected with COL11A1-related conditions. ClinVar contains an entry for this variant (Variation ID: 1514819). Advanced modeling of protein sequence and biophysical properties (such as structural, functional, and spatial information, amino acid conservation, physicochemical variation, residue mobility, and thermodynamic stability) performed at Invitae indicates that this missense variant is not expected to disrupt COL11A1 protein function. In summary, the available evidence is currently insufficient to determine the role of this variant in disease. Therefore, it has been classified as a Variant of Uncertain Significance.

NM_001854.4(COL11A1):c.773T>G (p.Ile258Arg)

Gene: COL11A1 (collagen type XI alpha 1 chain; minus strand). Cytogenetic location: 1p21.1.
Variant type: single nucleotide variant.
Coding change: c.773T>G on transcript NM_001854.4 (MANE Select); coding-DNA position 773, T replaced by G.
Protein change: p.Ile258Arg; replaces isoleucine 258 with arginine.
Molecular consequence: missense variant. On other transcripts: non-coding transcript variant (1).
Genome position (GRCh38, 1-based): chr1:103,031,123, A>C on the plus strand (T>G on the coding strand, the complement: COL11A1 is on the minus strand). VCF-style: chr1-103031123-A-C. GRCh37 (hg19) VCF-style: chr1-103496679-A-C.
Other names: c.773T>G, p.Ile258Arg (NM_001190709.2, NM_080629.3, NM_080630.4); short protein forms I258R.
Identifiers: ClinVar variation 1514819 (VCV001514819.6), dbSNP rs2101994888, ClinGen allele CA341159181.
Genomic context (GRCh38, chr1:103,031,123, plus strand): 5'-CGATGTCCATATCACTGAAATACGAAGACCTTCTCTGGTCTTGTGCTCCTCACCTCATCT[A>C]TCTGAGGTTCCTGAGCTTGAGCAGCCTTGGGTGCTGAAGAGTCACAGTCTGGACTATAAT-3'
Protein context (NP_001845.3, residues 248-268): PKAAQAQEPQ[Ile258Arg]DEYAPEDIIE